The following is an entry in ClinVar:

ClinVar aggregate classification (germline): Uncertain significance (1 of 4 stars; one submission).

gnomAD v4.1: 6 of 1,613,960 alleles (0.00037%); highest among the groups gnomAD compares: Admixed American, 0.005%; no homozygotes.

Submission:

Mayo Clinic Laboratories, Mayo Clinic
Classification: Uncertain significance. Last evaluated: 2025-10-08. Review status: criteria provided, single submitter. Criteria: ACMG Guidelines, 2015. Collection method: clinical testing. Allele origin: germline. Observed: 1 variant allele.
Comment: BP4

NM_006139.4(CD28):c.536T>G (p.Val179Gly)

Gene: CD28 (CD28 molecule; plus strand). Cytogenetic location: 2q33.2.
Variant type: single nucleotide variant.
Coding change: c.536T>G on transcript NM_006139.4 (MANE Select); coding-DNA position 536, T replaced by G.
Protein change: p.Val179Gly; replaces valine 179 with glycine.
Molecular consequence: missense variant.
Genome position (GRCh38, 1-based): chr2:203,734,785, T>G. VCF-style: chr2-203734785-T-G. GRCh37 (hg19) VCF-style: chr2-204599508-T-G.
Other names: p.Val179Gly; c.245T>G, p.Val82Gly (NM_001243077.2); c.179T>G, p.Val60Gly (NM_001243078.2); c.578T>G, p.Val193Gly (NM_001410981.1); short protein forms V193G, V60G, V179G, V82G.
Identifiers: ClinVar variation 4540797 (VCV004540797.1).
Genomic context (GRCh38, chr2:203,734,785, plus strand): 5'-AGTCTTAGAACTCCTTCCATGACATTGTCCCTCCATACTGACACTTCTCTTTCCTGCAGG[T>G]GAGGAGTAAGAGGAGCAGGCTCCTGCACAGTGACTACATGAACATGACTCCCCGCCGCCC-3'
Protein context (NP_006130.1, residues 169-189): LVTVAFIIFW[Val179Gly]RSKRSRLLHS